The following is an entry in ClinVar:

ClinVar aggregate classification (germline): Uncertain significance (1 of 4 stars; one submission).

Conditions:
Hypertrophic cardiomyopathy. Also called: HYPERTROPHIC MYOCARDIOPATHY. Identifiers: Orphanet 217569, MedGen C0007194, MeSH D002312, MONDO:0005045, HP:0001639.

Allele frequency attached by ClinVar (database versions not stated): gnomAD 0.00001; gnomAD exomes 0.00001; TOPMed 0.00001; ExAC 0.00003.
gnomAD v4.1: 16 of 1,613,764 alleles (0.00099%); highest among the groups gnomAD compares: Non-Finnish European, 0.0012%; no homozygotes.

Submission:

Labcorp Genetics (formerly Invitae), Labcorp
Classification: Uncertain significance for Hypertrophic cardiomyopathy. Last evaluated: 2024-10-15. Review status: criteria provided, single submitter. Criteria: Invitae Variant Classification Sherloc (09022015). Collection method: clinical testing. Allele origin: germline.
Comment: This sequence change replaces cysteine, which is neutral and slightly polar, with serine, which is neutral and polar, at codon 714 of the MYOM1 protein (p.Cys714Ser). This variant is present in population databases (rs755801717, gnomAD 0.005%). This variant has not been reported in the literature in individuals affected with MYOM1-related conditions. Invitae Evidence Modeling of protein sequence and biophysical properties (such as structural, functional, and spatial information, amino acid conservation, physicochemical variation, residue mobility, and thermodynamic stability) indicates that this missense variant is not expected to disrupt MYOM1 protein function with a negative predictive value of 80%. In summary, the available evidence is currently insufficient to determine the role of this variant in disease. Therefore, it has been classified as a Variant of Uncertain Significance.

NM_003803.4(MYOM1):c.2141G>C (p.Cys714Ser)

Gene: MYOM1 (myomesin 1; minus strand). Cytogenetic location: 18p11.31.
Variant type: single nucleotide variant.
Coding change: c.2141G>C on transcript NM_003803.4 (MANE Select); coding-DNA position 2141, G replaced by C.
Protein change: p.Cys714Ser; replaces cysteine 714 with serine.
Molecular consequence: missense variant.
Genome position (GRCh38, 1-based): chr18:3,135,615, C>G on the plus strand (G>C on the coding strand, the complement: MYOM1 is on the minus strand). VCF-style: chr18-3135615-C-G. GRCh37 (hg19) VCF-style: chr18-3135613-C-G.
Other names: c.2141G>C, p.Cys714Ser (NM_019856.2); short protein forms C714S.
Identifiers: ClinVar variation 2721756 (VCV002721756.3), dbSNP rs755801717, ClinGen allele CA8874731.
Genomic context (GRCh38, chr18:3,135,615, plus strand): 5'-TCCCCTACCACAGTCACCTCCGTTGCCTCTGAGGGCTCACCAACTCCTGCAGAATTAGAA[C>G]AGCGGACACGGAAACAGTAGGATTTCCCCTCGGCCAAGTCAAACAGAGCAAAGCGGGGAG-3'
Protein context (NP_003794.3, residues 704-724): EGKSYCFRVR[Cys714Ser]SNSAGVGEPS